The following is an entry in ClinVar:

NM_031844.3(HNRNPU):c.1169A>G (p.Asn390Ser)

Gene: HNRNPU (heterogeneous nuclear ribonucleoprotein U; minus strand). Cytogenetic location: 1q44.
Variant type: single nucleotide variant.
Coding change: c.1169A>G on transcript NM_031844.3 (MANE Select); coding-DNA position 1169, A replaced by G.
Protein change: p.Asn390Ser; replaces asparagine 390 with serine.
Molecular consequence: missense variant.
Genome position (GRCh38, 1-based): chr1:244,858,790, T>C on the plus strand (A>G on the coding strand, the complement: HNRNPU is on the minus strand). VCF-style: chr1-244858790-T-C. GRCh37 (hg19) VCF-style: chr1-245022092-T-C.
Other names: c.1112A>G, p.Asn371Ser (NM_004501.3); short protein forms N371S, N390S.
Identifiers: ClinVar variation 2163899 (VCV002163899.4), dbSNP rs200174361, ClinGen allele CA1486543.

ClinVar aggregate classification (germline): Uncertain significance (1 of 4 stars; one submission).

Conditions:
Developmental and epileptic encephalopathy, 54. Also called: Epileptic encephalopathy, early infantile, 54; HNRNPU-Related Neurodevelopmental Disorder. Identifiers: MedGen C4479319, MONDO:0033363, OMIM 617391.

Allele frequency attached by ClinVar (database versions not stated): gnomAD exomes below 0.00001; 1000 Genomes Project 30x 0.00016; 1000 Genomes Project 0.00020.
gnomAD v4.1: 8 of 1,593,670 alleles (0.0005%); highest among the groups gnomAD compares: East Asian, 0.0022%; no homozygotes.

Submission:

Labcorp Genetics (formerly Invitae), Labcorp
Classification: Uncertain significance for Developmental and epileptic encephalopathy, 54. Last evaluated: 2023-10-12. Review status: criteria provided, single submitter. Criteria: Invitae Variant Classification Sherloc (09022015). Collection method: clinical testing. Allele origin: germline.
Comment: This sequence change replaces asparagine, which is neutral and polar, with serine, which is neutral and polar, at codon 390 of the HNRNPU protein (p.Asn390Ser). This variant is present in population databases (rs200174361, gnomAD 0.002%). This variant has not been reported in the literature in individuals affected with HNRNPU-related conditions. ClinVar contains an entry for this variant (Variation ID: 2163899). Algorithms developed to predict the effect of missense changes on protein structure and function output the following: SIFT: "Not Available"; PolyPhen-2: "Not Available"; Align-GVGD: "Not Available". The serine amino acid residue is found in multiple mammalian species, which suggests that this missense change does not adversely affect protein function. In summary, the available evidence is currently insufficient to determine the role of this variant in disease. Therefore, it has been classified as a Variant of Uncertain Significance.